The following is an entry in ClinVar:

NM_002386.4(MC1R):c.190G>C (p.Ala64Pro)

Gene: MC1R (melanocortin 1 receptor; plus strand). Cytogenetic location: 16q24.3.
Variant type: single nucleotide variant.
Coding change: c.190G>C on transcript NM_002386.4 (MANE Select); coding-DNA position 190, G replaced by C.
Protein change: p.Ala64Pro; replaces alanine 64 with proline.
Molecular consequence: missense variant.
Genome position (GRCh38, 1-based): chr16:89,919,448, G>C. VCF-style: chr16-89919448-G-C. GRCh37 (hg19) VCF-style: chr16-89985856-G-C.
Other names: short protein forms A64P.
Identifiers: ClinVar variation 856560 (VCV000856560.9), dbSNP rs368501338, ClinGen allele CA286607418.

ClinVar aggregate classification (germline): Uncertain significance (1 of 4 stars; one submission).

Conditions:
Melanoma, cutaneous malignant, susceptibility to, 5. Also called: Cutaneous malignant melanoma 5. Identifiers: Orphanet 618, MedGen C2751295, MONDO:0013133, OMIM 613099.

Allele frequency attached by ClinVar (database versions not stated): TOPMed 0.00001.
gnomAD v4.1: 6 of 1,613,106 alleles (0.00037%); highest among the groups gnomAD compares: Non-Finnish European, 0.00051%; no homozygotes.

Submission:

Labcorp Genetics (formerly Invitae), Labcorp
Classification: Uncertain significance for Melanoma, cutaneous malignant, susceptibility to, 5. Last evaluated: 2019-03-11. Review status: criteria provided, single submitter. Criteria: Invitae Variant Classification Sherloc (09022015). Collection method: clinical testing. Allele origin: germline.
Comment: In summary, the available evidence is currently insufficient to determine the role of this variant in disease. Therefore, it has been classified as a Variant of Uncertain Significance. Algorithms developed to predict the effect of missense changes on protein structure and function are either unavailable or do not agree on the potential impact of this missense change (SIFT: "Tolerated"; PolyPhen-2: "Probably Damaging"; Align-GVGD: "Class C0"). This variant has not been reported in the literature in individuals with MC1R-related conditions. This variant is not present in population databases (ExAC no frequency). This sequence change replaces alanine with proline at codon 64 of the MC1R protein (p.Ala64Pro). The alanine residue is moderately conserved and there is a small physicochemical difference between alanine and proline.